The following is an entry in ClinVar:

NM_002474.3(MYH11):c.598T>G (p.Ser200Ala)

Gene: MYH11 (myosin heavy chain 11; minus strand). Cytogenetic location: 16p13.11.
Variant type: single nucleotide variant.
Coding change: c.598T>G on transcript NM_002474.3 (MANE Select); coding-DNA position 598, T replaced by G.
Protein change: p.Ser200Ala; replaces serine 200 with alanine.
Molecular consequence: missense variant.
Genome position (GRCh38, 1-based): chr16:15,786,665, A>C on the plus strand (T>G on the coding strand, the complement: MYH11 is on the minus strand). VCF-style: chr16-15786665-A-C. GRCh37 (hg19) VCF-style: chr16-15880522-A-C.
Other names: c.598T>G, p.Ser200Ala (NM_001040113.2, NM_001040114.2, NM_022844.3); short protein forms S200A.
Identifiers: ClinVar variation 465754 (VCV000465754.9), dbSNP rs763151112, ClinGen allele CA394873636.

ClinVar aggregate classification (germline): Uncertain significance. Review status: criteria provided, multiple submitters, no conflicts (2 of 4 stars). 2 submissions from 2 submitters: Uncertain significance (2). Last evaluated 2024-08-06.

Conditions:
Familial thoracic aortic aneurysm and aortic dissection (TAAD). Also called: Thoracic aortic aneurysms and dissections. Identifiers: Orphanet 91387, MedGen C4707243, MONDO:0019625.
Aortic aneurysm, familial thoracic 4 (AAT4). Also called: AORTIC ANEURYSM/AORTIC DISSECTION AND PATENT DUCTUS ARTERIOSUS. Identifiers: MedGen C1851504, MONDO:0007568, OMIM 132900.

Submissions (2):

All of Us Research Program, National Institutes of Health
Classification: Uncertain significance for Familial thoracic aortic aneurysm and aortic dissection. Last evaluated: 2024-08-06. Review status: criteria provided, single submitter. Criteria: ACMG Guidelines, 2015. Collection method: clinical testing. Allele origin: germline. Inheritance: Autosomal dominant inheritance. Observed: 1 variant allele, 1 heterozygote.
Comment: This study involves interpretation of variants in research participants for the purpose of population health screening. Participant phenotype was not available at the time of variant classification. Additional details can be found in publication PMID: 35346344, PMCID: PMC8962531

Labcorp Genetics (formerly Invitae), Labcorp
Classification: Uncertain significance for Aortic aneurysm, familial thoracic 4. Last evaluated: 2017-07-31. Review status: criteria provided, single submitter. Criteria: Invitae Variant Classification Sherloc (09022015). Collection method: clinical testing. Allele origin: germline.
Comment: In summary, the available evidence is currently insufficient to determine the role of this variant in disease. Therefore, it has been classified as a Variant of Uncertain Significance. Algorithms developed to predict the effect of missense changes on protein structure and function do not agree on the potential impact of this missense change (SIFT: "Deleterious"; PolyPhen-2: "Possibly Damaging"; Align-GVGD: "Class C0"). This variant has not been reported in the literature in individuals with MYH11-related disease. This variant is not present in population databases (ExAC no frequency). This sequence change replaces serine with alanine at codon 200 of the MYH11 protein (p.Ser200Ala). The serine residue is highly conserved and there is a moderate physicochemical difference between serine and alanine.